The following is an entry in ClinVar:

ClinVar aggregate classification (germline): Conflicting classifications of pathogenicity. Review status: criteria provided, conflicting classifications (1 of 4 stars). 4 submissions from 4 submitters: Uncertain significance (2); Benign (1); Likely benign (1). Last evaluated 2026-07-01.

Conditions:
Neurodevelopmental disorder with eye movement abnormalities and ataxia. Identifiers: MedGen C5774241, MONDO:0859305, OMIM 620094.
Inborn genetic diseases. Identifiers: MedGen C0950123, MeSH D030342.
FRMD5-related condition.

Allele frequency attached by ClinVar (database versions not stated): 1000 Genomes Project 30x 0.00031; 1000 Genomes Project 0.00040; TOPMed 0.00051; gnomAD exomes 0.00068; ExAC 0.00069; ESP Exome Variant Server 0.00077.
gnomAD v4.1: 1,066 of 1,614,236 alleles (0.066%); highest among the groups gnomAD compares: Non-Finnish European, 0.075%; 2 homozygotes.

Submissions (4):

CeGaT Center for Human Genetics Tuebingen
Classification: Likely benign. Last evaluated: 2026-07-01. Review status: criteria provided, single submitter. Criteria: CeGaT Center For Human Genetics Tuebingen Variant Classification Criteria Version 2. Collection method: clinical testing. Allele origin: germline. Affected: yes. Observed: 1 variant allele.
Comment: FRMD5: BS1

Dasa
Classification: Uncertain significance for Neurodevelopmental disorder with eye movement abnormalities and ataxia. Last evaluated: 2025-12-20. Review status: criteria provided, single submitter. Criteria: DASA Assertion Criteria. Collection method: clinical testing. Allele origin: germline.
Comment: NM_032892.5(FRMD5):c.505G>A (p.Glu169Lys) is a missense variant that results in the substitution of glutamic acid with lysine. This variant is rare in population databases. The currently available literature and clinical evidence are not sufficient to establish a definitive association between this variant and the reported condition. Therefore, this variant is classified as a variant of uncertain significance.

PreventionGenetics, part of Exact Sciences
Classification: Benign for FRMD5-related condition. Last evaluated: 2025-05-12. Review status: criteria provided, single submitter. Criteria: ACMG Guidelines, 2015. Collection method: clinical testing. Allele origin: germline.
Comment: This variant is classified as benign based on ACMG/AMP sequence variant interpretation guidelines (Richards et al. 2015 PMID: 25741868, with internal and published modifications).

Ambry Genetics
Classification: Uncertain significance for Inborn genetic diseases. Last evaluated: 2023-12-13. Review status: criteria provided, single submitter. Criteria: Ambry Variant Classification Scheme 2023. Collection method: clinical testing. Allele origin: germline.

NM_032892.5(FRMD5):c.505G>A (p.Glu169Lys)

Gene: FRMD5 (FERM domain containing 5; minus strand). Cytogenetic location: 15q15.3.
Variant type: single nucleotide variant.
Coding change: c.505G>A on transcript NM_032892.5 (MANE Select); coding-DNA position 505, G replaced by A.
Protein change: p.Glu169Lys; replaces glutamic acid 169 with lysine.
Molecular consequence: missense variant. On other transcripts: 5 prime UTR variant (1), non-coding transcript variant (1).
Genome position (GRCh38, 1-based): chr15:43,905,874, C>T on the plus strand (G>A on the coding strand, the complement: FRMD5 is on the minus strand). VCF-style: chr15-43905874-C-T. GRCh37 (hg19) VCF-style: chr15-44198072-C-T.
Other names: c.505G>A, p.Glu169Lys (NM_001031729.1, NM_001322949.2, NM_001322950.2 and 1 more transcripts); c.505G>A (NM_032892.4); c.238G>A, p.Glu80Lys (NM_001286490.2); c.-109G>A (NM_001286491.2); c.400G>A, p.Glu134Lys (NM_001322951.2); short protein forms E169K, E134K, E80K.
Identifiers: ClinVar variation 2315567 (VCV002315567.6), dbSNP rs142231537, ClinGen allele CA7532621.